The following is an entry in ClinVar:

ClinVar aggregate classification (germline): Likely pathogenic (1 of 4 stars; one submission).

Conditions:
Alkaptonuria (AKU). Also called: HOMOGENTISIC ACID OXIDASE DEFICIENCY; Homogentisic acidura; Alkaptonuric ochronosis; Alcaptonuria. Identifiers: Orphanet 56, MedGen C0002066, MONDO:0008753, OMIM 203500.

gnomAD v4.1: 1 of 1,545,664 alleles (0.000065%); no homozygotes.

Submission:

Labcorp Genetics (formerly Invitae), Labcorp
Classification: Likely pathogenic for Alkaptonuria. Last evaluated: 2023-12-02. Review status: criteria provided, single submitter. Criteria: Invitae Variant Classification Sherloc (09022015). Collection method: clinical testing. Allele origin: germline.
Comment: This sequence change affects an acceptor splice site in intron 3 of the HGD gene. It is expected to disrupt RNA splicing. Variants that disrupt the donor or acceptor splice site typically lead to a loss of protein function (PMID: 16199547), and loss-of-function variants in HGD are known to be pathogenic (PMID: 12501223, 19862842). This variant is not present in population databases (gnomAD no frequency). This variant has not been reported in the literature in individuals affected with HGD-related conditions. ClinVar contains an entry for this variant (Variation ID: 2028702). Algorithms developed to predict the effect of sequence changes on RNA splicing suggest that this variant may disrupt the consensus splice site. In summary, the currently available evidence indicates that the variant is pathogenic, but additional data are needed to prove that conclusively. Therefore, this variant has been classified as Likely Pathogenic.

Literature cited by the submitters: PubMed 16199547; PubMed 12501223; PubMed 19862842.

NM_000187.4(HGD):c.177-1G>T

Gene: HGD (homogentisate 1,2-dioxygenase; minus strand). Cytogenetic location: 3q13.33.
Variant type: single nucleotide variant.
Coding change: c.177-1G>T on transcript NM_000187.4 (MANE Select); the canonical splice acceptor site of the intron before coding-DNA position 177, G replaced by T.
Molecular consequence: splice acceptor variant.
Genome position (GRCh38, 1-based): chr3:120,670,533, C>A on the plus strand (G>T on the coding strand, the complement: HGD is on the minus strand). VCF-style: chr3-120670533-C-A. GRCh37 (hg19) VCF-style: chr3-120389380-C-A.
Identifiers: ClinVar variation 2028702 (VCV002028702.4), dbSNP rs1057517370, ClinGen allele CA354081610.